The following is an entry in ClinVar:

ClinVar aggregate classification (germline): Uncertain significance. Review status: criteria provided, multiple submitters, no conflicts (2 of 4 stars). 3 submissions from 3 submitters: Uncertain significance (3). Last evaluated 2024-10-15.

Conditions:
Peroxisome biogenesis disorder 2B (PBD2B). Identifiers: Orphanet 44, MedGen C3550234, MONDO:0008736, OMIM 202370.

Submissions (3):

Labcorp Genetics (formerly Invitae), Labcorp
Classification: Uncertain significance for Peroxisome biogenesis disorder 2B. Last evaluated: 2024-10-15. Review status: criteria provided, single submitter. Criteria: Invitae Variant Classification Sherloc (09022015). Collection method: clinical testing. Allele origin: germline.
Comment: This sequence change replaces arginine, which is basic and polar, with glycine, which is neutral and non-polar, at codon 301 of the PEX5 protein (p.Arg301Gly). This variant is present in population databases (no rsID available, gnomAD 0.003%). This variant has not been reported in the literature in individuals affected with PEX5-related conditions. ClinVar contains an entry for this variant (Variation ID: 432897). Invitae Evidence Modeling of protein sequence and biophysical properties (such as structural, functional, and spatial information, amino acid conservation, physicochemical variation, residue mobility, and thermodynamic stability) indicates that this missense variant is not expected to disrupt PEX5 protein function with a negative predictive value of 80%. In summary, the available evidence is currently insufficient to determine the role of this variant in disease. Therefore, it has been classified as a Variant of Uncertain Significance.

Blueprint Genetics
Classification: Uncertain significance. Last evaluated: 2021-04-28. Review status: criteria provided, single submitter. Criteria: ACMG Guidelines, 2015. Collection method: clinical testing. Allele origin: germline.

GeneDx
Classification: Uncertain significance. Last evaluated: 2017-06-21. Review status: criteria provided, single submitter. Criteria: GeneDx Variant Classification (06012015). Collection method: clinical testing. Allele origin: germline. Affected: yes.
Comment: The R301G variant in the PEX5 gene has not been reported previously as a pathogenic variant, nor as a benign variant, to our knowledge. The R301G variant is not observed in large population cohorts (Lek et al., 2016; 1000 Genomes Consortium et al., 2015; Exome Variant Server). The R301G variant is a non-conservative amino acid substitution, which is likely to impact secondary protein structure as these residues differ in polarity, charge, size and/or other properties. This substitution occurs at a position that is conserved across species. In silico analysis predicts this variant is probably damaging to the protein structure/function. We interpret R301G as a variant of uncertain significance.

NM_001351132.2(PEX5):c.901C>G (p.Arg301Gly)

Gene: PEX5 (peroxisomal biogenesis factor 5; plus strand). Cytogenetic location: 12p13.31.
Variant type: single nucleotide variant.
Coding change: c.901C>G on transcript NM_001351132.2 (MANE Select); coding-DNA position 901, C replaced by G.
Protein change: p.Arg301Gly; replaces arginine 301 with glycine.
Molecular consequence: missense variant.
Genome position (GRCh38, 1-based): chr12:7,203,486, C>G. VCF-style: chr12-7203486-C-G. GRCh37 (hg19) VCF-style: chr12-7356082-C-G.
Other names: c.877C>G, p.Arg293Gly (NM_000319.5); c.946C>G, p.Arg316Gly (NM_001131023.2); c.790C>G, p.Arg264Gly (NM_001131024.2, NM_001351124.3, NM_001351126.2 and 7 more transcripts); c.901C>G, p.Arg301Gly (NM_001131025.2, NM_001131026.2, NM_001300789.3 and 5 more transcripts); c.835C>G, p.Arg279Gly (NM_001351135.3, NM_001351138.2); c.766C>G, p.Arg256Gly (NM_001351139.2, NM_001351140.2, NM_001374649.2); short protein forms R293G, R301G, R279G, R316G, R256G, R264G.
Identifiers: ClinVar variation 432897 (VCV000432897.8), dbSNP rs767306549, ClinGen allele CA232472384.
Genomic context (GRCh38, chr12:7,203,486, plus strand): 5'-TTACAGTCTGATGTCGATTTCTGGGACAAGTTGCAGGCAGAGTTGGAGGAGATGGCAAAA[C>G]GGGATGCTGAGGCCCACCCCTGGCTTTCTGACTATGATGACCTTACGTCAGCTACCTATG-3'
Protein context (NP_001338061.1, residues 291-311): LQAELEEMAK[Arg301Gly]DAEAHPWLSD